The following is an entry in ClinVar:

ClinVar aggregate classification (germline): Pathogenic (1 of 4 stars; one submission).

Conditions:
Coffin-Siris syndrome 1 (CSS1). Also called: Mental retardation, autosomal dominant 12; ARID1B-Related Coffin-Siris Syndrome. Identifiers: Orphanet 1465, MedGen C3281201, MONDO:0007617, OMIM 135900. Disease mechanism: gain of function.

Submission:

Centre of Medical Genetics, University Hospital Muenster
Classification: Pathogenic for Coffin-Siris syndrome 1. Last evaluated: 2023-05-03. Review status: criteria provided, single submitter. Criteria: ACMG Guidelines, 2015. Collection method: clinical testing. Allele origin: unknown. Affected: yes. Observed: 1 variant allele, 1 heterozygote.
Comment: ACMG categories: PVS1,PM2,PP3

NM_001374828.1(ARID1B):c.6362_6363del (p.Glu2121fs)

Gene: ARID1B (AT-rich interaction domain 1B; plus strand). Cytogenetic location: 6q25.3.
Variant type: Microsatellite.
Coding change: c.6362_6363del on transcript NM_001374828.1 (MANE Select); coding-DNA positions 6362 to 6363, 2 bases deleted (AG; older notation c.6362_6363delAG).
Protein change: p.Glu2121fs; shifts the reading frame from glutamic acid 2121.
Molecular consequence: frameshift variant.
Genome position (GRCh38, 1-based): chr6:157,207,134-157,207,135, AG deleted; deleting any 2 consecutive bases within chr6:157,207,132-157,207,135 gives the same sequence; the c. name uses the placement nearest the transcript's 3' end. VCF-style (leftmost placement, unchanged base first): chr6-157207131-AAG-A. GRCh37 (hg19) VCF-style: chr6-157528265-AAG-A.
Other names: c.6111_6112AG[1], p.Glu2038Glyfs (NM_001346813.1); c.3863_3864del, p.Glu1288fs (NM_001363725.2); c.6242_6243del, p.Glu2081fs (NM_001371656.1, NM_001374820.1); c.6203_6204del, p.Glu2068fs (NM_017519.3); c.5991_5992AG[1], p.Glu1998Glyfs (NM_020732.3); c.5778_5779AG[1], p.Glu1927Glyfs (NM_175863.2); short protein forms E1288fs, E2068fs, E2081fs, E2121fs.
Identifiers: ClinVar variation 3248630 (VCV003248630.2), dbSNP rs2538781275.